The following is an entry in ClinVar:

NM_004586.3(RPS6KA3):c.1460A>T (p.Lys487Met)

Gene: RPS6KA3 (ribosomal protein S6 kinase A3; minus strand). Cytogenetic location: Xp22.12.
Variant type: single nucleotide variant.
Coding change: c.1460A>T on transcript NM_004586.3 (MANE Select); coding-DNA position 1460, A replaced by T.
Protein change: p.Lys487Met; replaces lysine 487 with methionine.
Molecular consequence: missense variant.
Genome position (GRCh38, 1-based): chrX:20,167,731, T>A on the plus strand (A>T on the coding strand, the complement: RPS6KA3 is on the minus strand). VCF-style: chrX-20167731-T-A. GRCh37 (hg19) VCF-style: chrX-20185849-T-A.
Other names: short protein forms K487M.
Identifiers: ClinVar variation 1240403 (VCV001240403.3), dbSNP rs2148650076, ClinGen allele CA412514976.
Genomic context (GRCh38, chrX:20,167,731, plus strand): 5'-CTAAGAATTTTATCCAGCAATTCACCTCCTTTCATAAGTTCTGTTACTACATACACATAC[T>A]TTCCATCATCATATACCTATAAATTTCAACATCAAAATGTAAATATTATTTGAAACTATA-3'
Protein context (NP_004577.1, residues 477-497): ITLKDVYDDG[Lys487Met]YVYVVTELMK

ClinVar aggregate classification (germline): Uncertain significance. Review status: criteria provided, multiple submitters, no conflicts (2 of 4 stars). 2 submissions from 2 submitters: Uncertain significance (2). Last evaluated 2025-03-08.

Conditions:
Coffin-Lowry syndrome (CLS). Also called: COFFIN-LOWRY SYNDROME, MILD; Mental retardation with osteocartilaginous abnormalities. Identifiers: Orphanet 192, MedGen C0265252, MONDO:0010561, OMIM 303600.

Submissions (2):

GeneDx
Classification: Uncertain significance. Last evaluated: 2025-03-08. Review status: criteria provided, single submitter. Criteria: GeneDx Variant Classification Process June 2021. Collection method: clinical testing. Allele origin: germline.
Comment: Not observed at significant frequency in large population cohorts (gnomAD); In silico analysis supports that this missense variant has a deleterious effect on protein structure/function; Has not been previously published as pathogenic or benign to our knowledge

HudsonAlpha Institute for Biotechnology
Classification: Uncertain significance for Coffin-Lowry syndrome. Last evaluated: 2020-04-10. Review status: criteria provided, single submitter. Criteria: ACMG Guidelines, 2015. Collection method: research. Allele origin: unknown. Observed: 1 variant allele. Study: HudsonAlpha-AGHI-WGS.
Comment: ACMG codes:PM2, PP3